The following is an entry in ClinVar:

ClinVar aggregate classification (germline): Uncertain significance. Review status: criteria provided, multiple submitters, no conflicts (2 of 4 stars). 2 submissions from 2 submitters: Uncertain significance (2). Last evaluated 2026-01-25.

Conditions:
Cardiomyopathy (CMYO). Also called: Cardiomyopathies. Identifiers: Orphanet 167848, MedGen C0878544, MONDO:0004994, HP:0001638. Inheritance: Various modes of inheritance.
Cardiovascular phenotype. Identifiers: MedGen CN230736.

Submissions (2):

Ambry Genetics
Classification: Uncertain significance for Cardiovascular phenotype. Last evaluated: 2026-01-25. Review status: criteria provided, single submitter. Criteria: Ambry Variant Classification Scheme 2023. Collection method: clinical testing. Allele origin: germline.
Comment: The p.L307M variant (also known as c.919C>A), located in coding exon 8 of the DSG2 gene, results from a C to A substitution at nucleotide position 919. The leucine at codon 307 is replaced by methionine, an amino acid with highly similar properties. This amino acid position is conserved. In addition, this alteration is predicted to be tolerated by in silico analysis. Based on the available evidence, the clinical significance of this variant remains unclear.

Color Diagnostics, LLC DBA Color Health
Classification: Uncertain significance for Cardiomyopathy. Last evaluated: 2025-12-15. Review status: criteria provided, single submitter. Criteria: ACMG Guidelines, 2015. Collection method: clinical testing. Allele origin: germline.
Comment: This missense variant replaces leucine with methionine at codon 307 of the DSG2 protein. Computational prediction suggests that this variant may not impact protein structure and function. To our knowledge, functional studies have not been reported for this variant. This variant has not been reported in individuals affected with DSG2-related disorders in the literature. This variant has not been identified in the general population by the Genome Aggregation Database (gnomAD). The available evidence is insufficient to determine the role of this variant in disease conclusively. Therefore, this variant is classified as a Variant of Uncertain Significance.

NM_001943.5(DSG2):c.919C>A (p.Leu307Met)

Gene: DSG2 (desmoglein 2; plus strand). Cytogenetic location: 18q12.1.
Variant type: single nucleotide variant.
Coding change: c.919C>A on transcript NM_001943.5 (MANE Select); coding-DNA position 919, C replaced by A.
Protein change: p.Leu307Met; replaces leucine 307 with methionine.
Molecular consequence: missense variant.
Genome position (GRCh38, 1-based): chr18:31,524,793, C>A. VCF-style: chr18-31524793-C-A. GRCh37 (hg19) VCF-style: chr18-29104756-C-A.
Other names: short protein forms L307M.
Identifiers: ClinVar variation 4756366 (VCV004756366.2).